The following is an entry in ClinVar:

NM_021728.4(OTX2):c.728C>T (p.Pro243Leu)

Gene: OTX2 (orthodenticle homeobox 2; minus strand). Cytogenetic location: 14q22.3.
Variant type: single nucleotide variant.
Coding change: c.728C>T on transcript NM_021728.4 (MANE Select); coding-DNA position 728, C replaced by T.
Protein change: p.Pro243Leu; replaces proline 243 with leucine.
Molecular consequence: missense variant. On other transcripts: non-coding transcript variant (2).
Genome position (GRCh38, 1-based): chr14:56,801,901, G>A on the plus strand (C>T on the coding strand, the complement: OTX2 is on the minus strand). VCF-style: chr14-56801901-G-A. GRCh37 (hg19) VCF-style: chr14-57268619-G-A.
Other names: c.704C>T, p.Pro235Leu (NM_001270523.2, NM_001270524.2, NM_172337.3); c.728C>T, p.Pro243Leu (NM_001270525.2); short protein forms P235L, P243L.
Identifiers: ClinVar variation 2168996 (VCV002168996.4), dbSNP rs1006268708, ClinGen allele CA261910272.

ClinVar aggregate classification (germline): Uncertain significance (1 of 4 stars; one submission).

Conditions:
Anophthalmia-microphthalmia syndrome. Also called: Anophthalmia/Microphthalmia; Anophthalmia - microphthalmia. Identifiers: Orphanet 98555, MedGen C5680330, MONDO:0020147.

Allele frequency attached by ClinVar (database versions not stated): gnomAD 0.00001; gnomAD exomes 0.00001; TOPMed 0.00001.
gnomAD v4.1: 14 of 1,614,074 alleles (0.00087%); highest among the groups gnomAD compares: Non-Finnish European, 0.0011%; no homozygotes.

Submission:

Labcorp Genetics (formerly Invitae), Labcorp
Classification: Uncertain significance for Anophthalmia-microphthalmia syndrome. Last evaluated: 2022-10-04. Review status: criteria provided, single submitter. Criteria: Invitae Variant Classification Sherloc (09022015). Collection method: clinical testing. Allele origin: germline.
Comment: In summary, the available evidence is currently insufficient to determine the role of this variant in disease. Therefore, it has been classified as a Variant of Uncertain Significance. Algorithms developed to predict the effect of missense changes on protein structure and function are either unavailable or do not agree on the potential impact of this missense change (SIFT: "Deleterious"; PolyPhen-2: "Benign"; Align-GVGD: "Class C25"). This variant has not been reported in the literature in individuals affected with OTX2-related conditions. This variant is not present in population databases (gnomAD no frequency). This sequence change replaces proline, which is neutral and non-polar, with leucine, which is neutral and non-polar, at codon 235 of the OTX2 protein (p.Pro235Leu).